The following is an entry in ClinVar:

NM_001363711.2(DUOX2):c.1461G>C (p.Gly487=)

Gene: DUOX2 (dual oxidase 2; minus strand). Cytogenetic location: 15q21.1.
Variant type: single nucleotide variant.
Coding change: c.1461G>C on transcript NM_001363711.2 (MANE Select); coding-DNA position 1461, G replaced by C.
Protein change: p.Gly487=; no amino-acid change (glycine 487 retained).
Molecular consequence: synonymous variant.
Genome position (GRCh38, 1-based): chr15:45,108,160, C>G on the plus strand (G>C on the coding strand, the complement: DUOX2 is on the minus strand). VCF-style: chr15-45108160-C-G. GRCh37 (hg19) VCF-style: chr15-45400358-C-G.
Other names: p.Gly487=; c.1461G>C, p.Gly487= (NM_014080.5).
Identifiers: ClinVar variation 260315 (VCV000260315.23), dbSNP rs269860, ClinGen allele CA7538603.

ClinVar aggregate classification (germline): Benign/Likely benign. Review status: criteria provided, multiple submitters, no conflicts (2 of 4 stars). 11 submissions from 11 submitters: Benign (8); Likely benign (1). 2 of the submissions do not count toward it. Last evaluated 2026-05-08.

Conditions:
Thyroid dyshormonogenesis 6 (TDH6). Also called: HYPOTHYROIDISM, CONGENITAL, DUE TO DYSHORMONOGENESIS, 6; Genetic transient congenital hypothyroidism; THYROID HORMONOGENESIS, GENETIC DEFECT IN, 6. Identifiers: Orphanet 226316, Orphanet 95716, MedGen C1846632, MONDO:0011792, OMIM 607200.

Allele frequency attached by ClinVar (database versions not stated): 1000 Genomes Project 30x 0.84978; ESP Exome Variant Server 0.85668; TOPMed 0.85887; 1000 Genomes Project 0.86142.
gnomAD v4.1: 1,541,700 of 1,614,096 alleles (96%); highest among the groups gnomAD compares: South Asian, 99%; 741,046 homozygotes.

Submissions (11):

Women's Health and Genetics/Laboratory Corporation of America, LabCorp
Classification: Benign. Last evaluated: 2026-05-08. Review status: criteria provided, single submitter. Criteria: LabCorp Variant Classification Summary - May 2015. Collection method: clinical testing. Allele origin: germline.

Labcorp Genetics (formerly Invitae), Labcorp
Classification: Benign. Last evaluated: 2026-02-04. Review status: criteria provided, single submitter. Criteria: Invitae Variant Classification Sherloc (09022015). Collection method: clinical testing. Allele origin: germline.

Blueprint Genetics
Classification: Likely benign. Last evaluated: 2024-11-27. Review status: criteria provided, single submitter. Criteria: ACMG Guidelines, 2015. Collection method: clinical testing. Allele origin: germline.

Mayo Clinic Laboratories, Mayo Clinic
Classification: Benign. Last evaluated: 2022-09-06. Review status: criteria provided, single submitter. Criteria: ACMG Guidelines, 2015. Collection method: clinical testing. Allele origin: germline. Observed: 96 variant alleles.

GeneDx
Classification: Benign. Last evaluated: 2018-07-05. Review status: criteria provided, single submitter. Criteria: GeneDx Variant Classification Process June 2021. Collection method: clinical testing. Allele origin: germline. Affected: yes.

Illumina Laboratory Services, Illumina
Classification: Benign for Thyroid dyshormonogenesis 6. Last evaluated: 2018-01-13. Review status: criteria provided, single submitter. Criteria: ICSL Variant Classification Criteria 13 December 2019. Collection method: clinical testing. Allele origin: germline.
Comment: This variant was observed in the ICSL laboratory as part of a predisposition screen in an ostensibly healthy population. It had not been previously curated by ICSL or reported in the Human Gene Mutation Database (HGMD: prior to June 1st, 2018), and was therefore a candidate for classification through an automated scoring system. Utilizing variant allele frequency, disease prevalence and penetrance estimates, and inheritance mode, an automated score was calculated to assess if this variant is too frequent to cause the disease. Based on the score and internal cut-off values, a variant classified as benign is not then subjected to further curation. The score for this variant resulted in a classification of benign for this disease.

Clinical Genetics DNA and cytogenetics Diagnostics Lab, Erasmus MC, Erasmus Medical Center
Classification: Benign for Thyroid dyshormonogenesis 6. Last evaluated: 2015-09-21. Review status: criteria provided, single submitter. Criteria: ACGS Guidelines, 2013. Collection method: clinical testing. Allele origin: germline. Affected: yes. Study: VKGL Data-share Consensus.

Breakthrough Genomics
Classification: Benign. Review status: criteria provided, single submitter. Criteria: ACMG Guidelines, 2015. Collection method: not provided. Allele origin: germline. Inheritance: Autosomal recessive inheritance. Affected: yes.

PreventionGenetics, part of Exact Sciences
Classification: Benign. Review status: criteria provided, single submitter. Criteria: ACMG Guidelines, 2015. Collection method: clinical testing. Allele origin: germline.

Clinical Genetics, Academic Medical Center
Classification: Benign. Review status: no assertion criteria provided. Collection method: clinical testing. Allele origin: germline. Affected: yes. Study: VKGL Data-share Consensus. Not counted in ClinVar's aggregate classification.

Diagnostic Laboratory, Department of Genetics, University Medical Center Groningen
Classification: Benign for Thyroid dyshormonogenesis 6. Review status: no assertion criteria provided. Collection method: clinical testing. Allele origin: germline. Affected: yes. Study: VKGL Data-share Consensus. Not counted in ClinVar's aggregate classification.